The following is an entry in ClinVar:

ClinVar aggregate classification (germline): Uncertain significance (1 of 4 stars; one submission).

Conditions:
Inborn genetic diseases. Identifiers: MedGen C0950123, MeSH D030342.

Submission:

Ambry Genetics
Classification: Uncertain significance for Inborn genetic diseases. Last evaluated: 2021-09-26. Review status: criteria provided, single submitter. Criteria: Ambry Variant Classification Scheme 2023. Collection method: clinical testing. Allele origin: germline.
Comment: The p.M379R variant (also known as c.1136T>G), located in coding exon 10 of the LRRK2 gene, results from a T to G substitution at nucleotide position 1136. The methionine at codon 379 is replaced by arginine, an amino acid with similar properties. This amino acid position is conserved. In addition, the in silico prediction for this alteration is inconclusive. Since supporting evidence is limited at this time, the clinical significance of this alteration remains unclear.

NM_198578.4(LRRK2):c.1136T>G (p.Met379Arg)

Gene: LRRK2 (leucine rich repeat kinase 2; plus strand). Cytogenetic location: 12q12.
Variant type: single nucleotide variant.
Coding change: c.1136T>G on transcript NM_198578.4 (MANE Select); coding-DNA position 1136, T replaced by G.
Protein change: p.Met379Arg; replaces methionine 379 with arginine.
Molecular consequence: missense variant.
Genome position (GRCh38, 1-based): chr12:40,251,499, T>G. VCF-style: chr12-40251499-T-G. GRCh37 (hg19) VCF-style: chr12-40645301-T-G.
Other names: short protein forms M379R.
Identifiers: ClinVar variation 1729865 (VCV001729865.2), dbSNP rs2499505518, ClinGen allele CA384408109.